The following is an entry in ClinVar:

NM_006531.5(IFT88):c.2392C>T (p.Arg798Ter)

Gene: IFT88 (intraflagellar transport 88; plus strand). Cytogenetic location: 13q12.11.
Variant type: single nucleotide variant.
Coding change: c.2392C>T on transcript NM_006531.5 (MANE Select); coding-DNA position 2392, C replaced by T.
Protein change: p.Arg798Ter; replaces arginine 798 with a stop codon.
Molecular consequence: nonsense. On other transcripts: 3 prime UTR variant (1), non-coding transcript variant (5).
Genome position (GRCh38, 1-based): chr13:20,691,092, C>T. VCF-style: chr13-20691092-C-T. GRCh37 (hg19) VCF-style: chr13-21265231-C-T.
Other names: c.2392C>T, p.Arg798Ter (NM_001353568.2); c.2317C>T, p.Arg773Ter (NM_001353569.2, NM_001353570.2); c.2290C>T, p.Arg764Ter (NM_001353571.2); c.2281C>T, p.Arg761Ter (NM_001353572.2); c.2248C>T, p.Arg750Ter (NM_001353573.2); c.2233C>T, p.Arg745Ter (NM_001353574.2); c.*44C>T (NM_001353575.2); c.2206C>T, p.Arg736Ter (NM_001353576.2, NM_001353577.2); and 4 more; short protein forms R587*, R727*, R736*, R745*, R750*, R761*, R764*, R773*.
Identifiers: ClinVar variation 3615747 (VCV003615747.2).
Genomic context (GRCh38, chr13:20,691,092, plus strand): 5'-TGACAATCTCTTCGAAACCTAGATGCCTCCTATGTGGACCCACTTGGCCCTCAAATAGAA[C>T]GACCAAAAACTGCAGCCAAGAAAAGGATCGATGAGGATGATTTTGCTGATGAAGAATTAG-3'

ClinVar aggregate classification (germline): Uncertain significance (1 of 4 stars; one submission).

gnomAD v4.1: 1 of 1,613,886 alleles (0.000062%); highest among the groups gnomAD compares: Non-Finnish European, 0.000085%; no homozygotes.

Submission:

Labcorp Genetics (formerly Invitae), Labcorp
Classification: Uncertain significance. Last evaluated: 2024-07-24. Review status: criteria provided, single submitter. Criteria: Invitae Variant Classification Sherloc (09022015). Collection method: clinical testing. Allele origin: germline.
Comment: This sequence change creates a premature translational stop signal (p.Arg807*) in the IFT88 gene. While this is not anticipated to result in nonsense mediated decay, it is expected to disrupt the last 27 amino acid(s) of the IFT88 protein. This variant is present in population databases (rs751249957, gnomAD 0.0009%). This variant has not been reported in the literature in individuals affected with IFT88-related conditions. Experimental studies and prediction algorithms are not available or were not evaluated, and the functional significance of this variant is currently unknown. In summary, the available evidence is currently insufficient to determine the role of this variant in disease. Therefore, it has been classified as a Variant of Uncertain Significance.